The following is an entry in ClinVar:

ClinVar aggregate classification (germline): Uncertain significance (1 of 4 stars; one submission).

Conditions:
Charcot-Marie-Tooth disease type 4. Also called: Charcot-Marie-Tooth, Type 4; Charcot-Marie-Tooth disease, type IV. Identifiers: Orphanet 64749, MedGen C4082197, MONDO:0018995.

Submission:

Labcorp Genetics (formerly Invitae), Labcorp
Classification: Uncertain significance for Charcot-Marie-Tooth disease type 4. Last evaluated: 2022-07-11. Review status: criteria provided, single submitter. Criteria: Invitae Variant Classification Sherloc (09022015). Collection method: clinical testing. Allele origin: germline.
Comment: In summary, the available evidence is currently insufficient to determine the role of this variant in disease. Therefore, it has been classified as a Variant of Uncertain Significance. Algorithms developed to predict the effect of missense changes on protein structure and function output the following: SIFT: "Tolerated"; PolyPhen-2: "Benign"; Align-GVGD: "Class C0". The leucine amino acid residue is found in multiple mammalian species, which suggests that this missense change does not adversely affect protein function. ClinVar contains an entry for this variant (Variation ID: 410607). This variant has not been reported in the literature in individuals affected with PRX-related conditions. This variant is not present in population databases (gnomAD no frequency). This sequence change replaces valine, which is neutral and non-polar, with leucine, which is neutral and non-polar, at codon 1279 of the PRX protein (p.Val1279Leu).

NM_181882.3(PRX):c.3835G>C (p.Val1279Leu)

Gene: PRX (periaxin; minus strand). Cytogenetic location: 19q13.2.
Variant type: single nucleotide variant.
Coding change: c.3835G>C on transcript NM_181882.3 (MANE Select); coding-DNA position 3835, G replaced by C.
Protein change: p.Val1279Leu; replaces valine 1279 with leucine.
Molecular consequence: missense variant. On other transcripts: 3 prime UTR variant (1).
Genome position (GRCh38, 1-based): chr19:40,394,517, C>G on the plus strand (G>C on the coding strand, the complement: PRX is on the minus strand). VCF-style: chr19-40394517-C-G. GRCh37 (hg19) VCF-style: chr19-40900424-C-G.
Other names: c.*4040G>C (NM_020956.2); short protein forms V1279L.
Identifiers: ClinVar variation 410607 (VCV000410607.8), dbSNP rs747247972, ClinGen allele CA16616256.